The following is an entry in ClinVar:

NM_003737.4(DCHS1):c.1245C>A (p.Ser415Arg)

Gene: DCHS1 (dachsous cadherin-related 1; minus strand). Cytogenetic location: 11p15.4.
Variant type: single nucleotide variant.
Coding change: c.1245C>A on transcript NM_003737.4 (MANE Select); coding-DNA position 1245, C replaced by A.
Protein change: p.Ser415Arg; replaces serine 415 with arginine.
Molecular consequence: missense variant.
Genome position (GRCh38, 1-based): chr11:6,640,369, G>T on the plus strand (C>A on the coding strand, the complement: DCHS1 is on the minus strand). VCF-style: chr11-6640369-G-T. GRCh37 (hg19) VCF-style: chr11-6661600-G-T.
Other names: c.1245C>A (NM_003737.2); short protein forms S415R.
Identifiers: ClinVar variation 445814 (VCV000445814.43), dbSNP rs117368891, ClinGen allele CA5861003.

ClinVar aggregate classification (germline): Benign/Likely benign. Review status: criteria provided, multiple submitters, no conflicts (2 of 4 stars). 7 submissions from 7 submitters: Benign (3); Likely benign (3). 1 of the submissions does not count toward it. Last evaluated 2026-09-01.

Conditions:
Inborn genetic diseases. Identifiers: MedGen C0950123, MeSH D030342.
DCHS1-related disorder. Also called: DCHS1-related condition.

Allele frequency attached by ClinVar (database versions not stated): 1000 Genomes Project 30x 0.00265; 1000 Genomes Project 0.00300; TOPMed 0.00554; gnomAD exomes 0.00582 and 0.00829; gnomAD 0.00635 and 0.00644; ExAC 0.00649; ESP Exome Variant Server 0.00754.
gnomAD v4.1: 12,967 of 1,613,468 alleles (0.8%); highest among the groups gnomAD compares: Non-Finnish European, 0.99%; 74 homozygotes.

Submissions (7):

CeGaT Center for Human Genetics Tuebingen
Classification: Likely benign. Last evaluated: 2026-09-01. Review status: criteria provided, single submitter. Criteria: CeGaT Center For Human Genetics Tuebingen Variant Classification Criteria Version 2. Collection method: clinical testing. Allele origin: germline. Affected: yes. Observed: 38 variant alleles.
Comment: DCHS1: BS2

Labcorp Genetics (formerly Invitae), Labcorp
Classification: Benign. Last evaluated: 2026-02-04. Review status: criteria provided, single submitter. Criteria: Invitae Variant Classification Sherloc (09022015). Collection method: clinical testing. Allele origin: germline.

Ambry Genetics
Classification: Benign for Inborn genetic diseases. Last evaluated: 2021-12-17. Review status: criteria provided, single submitter. Criteria: Ambry Variant Classification Scheme 2023. Collection method: clinical testing. Allele origin: germline.

GeneDx
Classification: Benign. Last evaluated: 2019-12-18. Review status: criteria provided, single submitter. Criteria: GeneDx Variant Classification Process June 2021. Collection method: clinical testing. Allele origin: germline. Affected: yes.

Center for Pediatric Genomic Medicine, Children's Mercy Hospital and Clinics
Classification: Likely benign. Last evaluated: 2017-06-14. Review status: criteria provided, single submitter. Criteria: ACMG Guidelines, 2015. Collection method: clinical testing. Allele origin: germline.

Breakthrough Genomics
Classification: Likely benign. Review status: criteria provided, single submitter. Criteria: ACMG Guidelines, 2015. Collection method: not provided. Allele origin: germline. Inheritance: Autosomal recessive inheritance. Affected: yes.

PreventionGenetics, part of Exact Sciences
Classification: Benign for DCHS1-related condition. Last evaluated: 2019-10-15. Review status: no assertion criteria provided. Collection method: clinical testing. Allele origin: germline. Not counted in ClinVar's aggregate classification.
Comment: This variant is classified as benign based on ACMG/AMP sequence variant interpretation guidelines (Richards et al. 2015 PMID: 25741868, with internal and published modifications).